The following is an entry in ClinVar:

ClinVar aggregate classification (germline): Uncertain significance (1 of 4 stars; one submission).

Conditions:
Macrothrombocytopenia and granulocyte inclusions with or without nephritis or sensorineural hearing loss (MATINS). Also called: MAY-HEGGLIN ANOMALY; DOHLE LEUKOCYTE INCLUSIONS WITH GIANT PLATELETS; MACROTHROMBOCYTOPENIA WITH LEUKOCYTE INCLUSIONS; BLEEDING DISORDER, PLATELET-TYPE, 6; SEBASTIAN PLATELET SYNDROME; MACROTHROMBOCYTOPENIA WITH DISPERSED LEUKOCYTIC INCLUSIONS. Identifiers: Orphanet 182050, MedGen C5200934, MONDO:0015912, OMIM 155100.

Submission:

MVZ Medizinische Genetik Mainz
Classification: Uncertain significance for Macrothrombocytopenia and granulocyte inclusions with or without nephritis or sensorineural hearing loss. Last evaluated: 2022-10-20. Review status: criteria provided, single submitter. Criteria: UK Practice Guidelines For Variant Classification V4 01 2020. Collection method: clinical testing. Allele origin: germline. Inheritance: Autosomal dominant inheritance. Affected: yes. Observed: 1 variant allele.
Comment: ACMG Criteria: PM5_SUP, PM2_SUP, PP3

NM_002473.6(MYH9):c.2151_2152delinsCG (p.Arg718Gly)

Gene: MYH9 (myosin heavy chain 9; minus strand). Cytogenetic location: 22q12.3.
Variant type: Indel.
Coding change: c.2151_2152delinsCG on transcript NM_002473.6 (MANE Select); coding-DNA positions 2151 to 2152, TC replaced by CG.
Protein change: p.Arg718Gly; replaces arginine 718 with glycine.
Molecular consequence: missense variant.
Genome position (GRCh38, 1-based): chr22:36,305,937-36,305,938, GA replaced by CG on the plus strand (TC replaced by CG on the coding strand, the reverse complement: MYH9 is on the minus strand). VCF-style: chr22-36305937-GA-CG. GRCh37 (hg19) VCF-style: chr22-36701983-GA-CG.
Other names: short protein forms R718G.
Identifiers: ClinVar variation 3236144 (VCV003236144.1), dbSNP rs2517976772, ClinGen allele CA2825002884.